The following is an entry in ClinVar:

ClinVar aggregate classification (germline): Uncertain significance (1 of 4 stars; one submission).

Submission:

Ambry Genetics
Classification: Uncertain significance. Last evaluated: 2023-11-08. Review status: criteria provided, single submitter. Criteria: Ambry Variant Classification Scheme 2023. Collection method: clinical testing. Allele origin: germline.
Comment: The p.L136P variant (also known as c.407T>C), located in coding exon 4 of the BUB1 gene, results from a T to C substitution at nucleotide position 407. The leucine at codon 136 is replaced by proline, an amino acid with similar properties. This amino acid position is conserved. In addition, this alteration is predicted to be deleterious by in silico analysis. Since supporting evidence is limited at this time, the clinical significance of this alteration remains unclear.

NM_004336.5(BUB1):c.407T>C (p.Leu136Pro)

Gene: BUB1 (BUB1 mitotic checkpoint serine/threonine kinase; minus strand). Cytogenetic location: 2q13.
Variant type: single nucleotide variant.
Coding change: c.407T>C on transcript NM_004336.5 (MANE Select); coding-DNA position 407, T replaced by C.
Protein change: p.Leu136Pro; replaces leucine 136 with proline.
Molecular consequence: missense variant.
Genome position (GRCh38, 1-based): chr2:110,672,676, A>G on the plus strand (T>C on the coding strand, the complement: BUB1 is on the minus strand). VCF-style: chr2-110672676-A-G. GRCh37 (hg19) VCF-style: chr2-111430253-A-G.
Other names: c.347T>C, p.Leu116Pro (NM_001278616.2); c.407T>C, p.Leu136Pro (NM_001278617.2); short protein forms L116P, L136P.
Identifiers: ClinVar variation 3224099 (VCV003224099.1), dbSNP rs2468035690, ClinGen allele CA348220317.